The following is an entry in ClinVar:

ClinVar aggregate classification (germline): Pathogenic (1 of 4 stars; one submission).

Conditions:
Autosomal dominant intellectual disability-craniofacial anomalies-cardiac defects syndrome (ARTHS). Also called: KAT6A syndrome; Mental retardation, autosomal dominant 32; Arboleda-Tham syndrome. Identifiers: Orphanet 457193, MedGen C4225396, MONDO:0014558, OMIM 616268.

Submission:

Johns Hopkins Genomics, Johns Hopkins University
Classification: Pathogenic for Autosomal dominant intellectual disability-craniofacial anomalies-cardiac defects syndrome. Last evaluated: 2021-03-29. Review status: criteria provided, single submitter. Criteria: ACMG Guidelines, 2015. Collection method: clinical testing. Allele origin: germline.
Comment: This KAT6A variant is absent from a large population dataset and has not be reported in ClinVar nor the literature, to our knowledge. This variant results a frameshift in exon 7 of 17 that is predicted to introduce a premature termination codon (PTC), likely leading to nonsense-mediated decay and lack of protein production. We consider c.1146_1147insG to be pathogenic.

Literature cited by the submitters: PubMed 25728775; PubMed 25728777; PubMed 27133397; PubMed 30245513.

NM_006766.5(KAT6A):c.1146_1147insG (p.Tyr383fs)

Gene: KAT6A (lysine acetyltransferase 6A; minus strand). Cytogenetic location: 8p11.21.
Variant type: Insertion.
Coding change: c.1146_1147insG on transcript NM_006766.5 (MANE Select); coding-DNA positions 1146 to 1147, G inserted.
Protein change: p.Tyr383fs; shifts the reading frame from tyrosine 383.
Molecular consequence: frameshift variant.
Genome position: GRCh38 VCF-style: chr8-41977224-A-AC. GRCh37 (hg19) VCF-style: chr8-41834742-A-AC.
Other names: c.1146_1147insG, p.Tyr383fs (NM_001305878.2); short protein forms Y383fs.
Identifiers: ClinVar variation 1048764 (VCV001048764.1), dbSNP rs2150886504, ClinGen allele CA2499219308.